The following is an entry in ClinVar:

NM_000312.4(PROC):c.973C>A (p.Leu325Ile)

Gene: PROC (protein C, inactivator of coagulation factors Va and VIIIa; plus strand). Cytogenetic location: 2q14.3.
Variant type: single nucleotide variant.
Coding change: c.973C>A on transcript NM_000312.4 (MANE Select); coding-DNA position 973, C replaced by A.
Protein change: p.Leu325Ile; replaces leucine 325 with isoleucine.
Molecular consequence: missense variant.
Genome position (GRCh38, 1-based): chr2:127,428,533, C>A. VCF-style: chr2-127428533-C-A. GRCh37 (hg19) VCF-style: chr2-128186109-C-A.
Other names: c.1036C>A, p.Leu346Ile (NM_001375604.1); c.1075C>A, p.Leu359Ile (NM_001375605.1); c.1141C>A, p.Leu381Ile (NM_001375606.1); c.1159C>A, p.Leu387Ile (NM_001375607.1); c.916C>A, p.Leu306Ile (NM_001375608.1); c.949C>A, p.Leu317Ile (NM_001375609.1); c.967C>A, p.Leu323Ile (NM_001375610.1); c.973C>A, p.Leu325Ile (NM_001375611.1, NM_001375613.1); and 2 more; short protein forms L325I, L346I, L359I, L386I, L306I, L323I, L381I, L317I.
Identifiers: ClinVar variation 1981649 (VCV001981649.4), dbSNP rs1192356099, ClinGen allele CA348405166.

ClinVar aggregate classification (germline): Uncertain significance (1 of 4 stars; one submission).

Conditions:
Thrombophilia due to protein C deficiency, autosomal dominant. Also called: PROC DEFICIENCY, AUTOSOMAL DOMINANT; PROTEIN C DEFICIENCY, AUTOSOMAL DOMINANT. Identifiers: Orphanet 745, MedGen C2674321, MONDO:0008316, OMIM 176860. Disease mechanism: loss of function.

Allele frequency attached by ClinVar (database versions not stated): gnomAD exomes below 0.00001.
gnomAD v4.1: 1 of 1,613,960 alleles (0.000062%); highest among the groups gnomAD compares: Non-Finnish European, 0.000085%; no homozygotes.

Submission:

Labcorp Genetics (formerly Invitae), Labcorp
Classification: Uncertain significance for Thrombophilia due to protein C deficiency, autosomal dominant. Last evaluated: 2022-03-19. Review status: criteria provided, single submitter. Criteria: Invitae Variant Classification Sherloc (09022015). Collection method: clinical testing. Allele origin: germline.
Comment: This sequence change replaces leucine, which is neutral and non-polar, with isoleucine, which is neutral and non-polar, at codon 325 of the PROC protein (p.Leu325Ile). This variant is present in population databases (no rsID available, gnomAD 0.0009%). This variant has not been reported in the literature in individuals affected with PROC-related conditions. Algorithms developed to predict the effect of missense changes on protein structure and function are either unavailable or do not agree on the potential impact of this missense change (SIFT: "Deleterious"; PolyPhen-2: "Probably Damaging"; Align-GVGD: "Class C0"). In summary, the available evidence is currently insufficient to determine the role of this variant in disease. Therefore, it has been classified as a Variant of Uncertain Significance.